The following is an entry in ClinVar:

NM_006035.4(CDC42BPB):c.1535A>G (p.Glu512Gly)

Gene: CDC42BPB (CDC42 binding protein kinase beta; minus strand). Cytogenetic location: 14q32.32.
Variant type: single nucleotide variant.
Coding change: c.1535A>G on transcript NM_006035.4 (MANE Select); coding-DNA position 1535, A replaced by G.
Protein change: p.Glu512Gly; replaces glutamic acid 512 with glycine.
Molecular consequence: missense variant.
Genome position (GRCh38, 1-based): chr14:102,974,122, T>C on the plus strand (A>G on the coding strand, the complement: CDC42BPB is on the minus strand). VCF-style: chr14-102974122-T-C. GRCh37 (hg19) VCF-style: chr14-103440459-T-C.
Other names: c.1535A>G, p.Glu512Gly (NM_001411054.1); short protein forms E512G.
Identifiers: ClinVar variation 3777972 (VCV003777972.7).

ClinVar aggregate classification (germline): Likely benign (1 of 4 stars; one submission).

gnomAD v4.1: 16 of 1,613,788 alleles (0.00099%); highest among the groups gnomAD compares: Non-Finnish European, 0.0014%; no homozygotes.

Submission:

CeGaT Center for Human Genetics Tuebingen
Classification: Likely benign. Last evaluated: 2025-03-01. Review status: criteria provided, single submitter. Criteria: CeGaT Center For Human Genetics Tuebingen Variant Classification Criteria Version 2. Collection method: clinical testing. Allele origin: germline. Affected: yes. Observed: 1 variant allele.
Comment: CDC42BPB: BP4